The following is an entry in ClinVar:

ClinVar aggregate classification (germline): Uncertain significance. Review status: criteria provided, multiple submitters, no conflicts (2 of 4 stars). 2 submissions from 2 submitters: Uncertain significance (2). Last evaluated 2025-04-16.

Conditions:
Dyskeratosis congenita, autosomal recessive 5 (DKCB5). Identifiers: MedGen C3554656, MONDO:0014076, OMIM 615190.
Pulmonary fibrosis and/or bone marrow failure, Telomere-related, 3. Also called: PULMONARY FIBROSIS AND/OR BONE MARROW FAILURE SYNDROME, TELOMERE-RELATED, 3. Identifiers: Orphanet 2032, MedGen C4225346, MONDO:0014613, OMIM 616373.

Submissions (2):

GeneDx
Classification: Uncertain significance. Last evaluated: 2025-04-16. Review status: criteria provided, single submitter. Criteria: GeneDx Variant Classification Process June 2021. Collection method: clinical testing. Allele origin: germline. Affected: yes.
Comment: Not observed at significant frequency in large population cohorts (gnomAD); In silico analysis indicates that this missense variant does not alter protein structure/function; Has not been previously published as pathogenic or benign to our knowledge

Labcorp Genetics (formerly Invitae), Labcorp
Classification: Uncertain significance for Dyskeratosis congenita, autosomal recessive 5; Pulmonary fibrosis and/or bone marrow failure, Telomere-related, 3. Last evaluated: 2022-05-29. Review status: criteria provided, single submitter. Criteria: Invitae Variant Classification Sherloc (09022015). Collection method: clinical testing. Allele origin: germline.
Comment: This variant is not present in population databases (gnomAD no frequency). This sequence change replaces serine, which is neutral and polar, with threonine, which is neutral and polar, at codon 1203 of the RTEL1 protein (p.Ser1203Thr). This variant has not been reported in the literature in individuals affected with RTEL1-related conditions. Algorithms developed to predict the effect of missense changes on protein structure and function output the following: SIFT: "Tolerated"; PolyPhen-2: "Benign"; Align-GVGD: "Class C0". The threonine amino acid residue is found in multiple mammalian species, which suggests that this missense change does not adversely affect protein function. In summary, the available evidence is currently insufficient to determine the role of this variant in disease. Therefore, it has been classified as a Variant of Uncertain Significance.

NM_001283009.2(RTEL1):c.3608G>C (p.Ser1203Thr)

Genes: RTEL1 (regulator of telomere elongation helicase 1; plus strand), RTEL1-TNFRSF6B (RTEL1-TNFRSF6B readthrough (NMD candidate); plus strand). Cytogenetic location: 20q13.33.
Variant type: single nucleotide variant.
Coding change: c.3608G>C on transcript NM_001283009.2 (MANE Select); coding-DNA position 3608, G replaced by C.
Protein change: p.Ser1203Thr; replaces serine 1203 with threonine.
Molecular consequence: missense variant. On other transcripts: non-coding transcript variant (1).
Genome position (GRCh38, 1-based): chr20:63,695,436, G>C. VCF-style: chr20-63695436-G-C. GRCh37 (hg19) VCF-style: chr20-62326789-G-C.
Other names: c.2939G>C, p.Ser980Thr (NM_001283010.1); c.3608G>C, p.Ser1203Thr (NM_016434.4); c.3680G>C, p.Ser1227Thr (NM_032957.5); short protein forms S1227T, S980T, S1203T.
Identifiers: ClinVar variation 2117351 (VCV002117351.5), dbSNP rs2145479866, ClinGen allele CA409686348.